The following is an entry in ClinVar:

NM_033225.6(CSMD1):c.7254C>A (p.Thr2418=)

Gene: CSMD1 (CUB and Sushi multiple domains 1; minus strand). Cytogenetic location: 8p23.2.
Variant type: single nucleotide variant.
Coding change: c.7254C>A on transcript NM_033225.6 (MANE Select); coding-DNA position 7254, C replaced by A.
Protein change: p.Thr2418=; no amino-acid change (threonine 2418 retained).
Molecular consequence: synonymous variant.
Genome position (GRCh38, 1-based): chr8:3,091,547, G>T on the plus strand (C>A on the coding strand, the complement: CSMD1 is on the minus strand). VCF-style: chr8-3091547-G-T. GRCh37 (hg19) VCF-style: chr8-2949069-G-T.
Identifiers: ClinVar variation 3351160 (VCV003351160.1).

ClinVar aggregate classification (germline): Likely benign (0 of 4 stars; one submission).

Conditions:
CSMD1-related disorder. Also called: CSMD1-related condition.

gnomAD v4.1: 5 of 1,605,772 alleles (0.00031%); highest among the groups gnomAD compares: Non-Finnish European, 0.00042%; no homozygotes.

Submission:

PreventionGenetics, part of Exact Sciences
Classification: Likely benign for CSMD1-related condition. Last evaluated: 2024-09-27. Review status: no assertion criteria provided. Collection method: clinical testing. Allele origin: germline.
Comment: This variant is classified as likely benign based on ACMG/AMP sequence variant interpretation guidelines (Richards et al. 2015 PMID: 25741868, with internal and published modifications).